The following is an entry in ClinVar:

NM_001492.6(GDF1):c.-2_6dup (p.Pro3fs)

Genes: CERS1 (ceramide synthase 1; minus strand), GDF1 (growth differentiation factor 1; minus strand). Cytogenetic location: 19p13.11.
Variant type: Duplication.
Coding change: c.-2_6dup on transcript NM_001492.6 (MANE Select); 2 bases upstream of the start codon through coding-DNA position 6, 8 bases duplicated (AGATGCCA; older notation c.-2_6dupAGATGCCA).
Protein change: p.Pro3fs; shifts the reading frame from proline 3.
Molecular consequence: frameshift variant, initiator codon variant. On other transcripts: 3 prime UTR variant (2).
Genome position (GRCh38, 1-based): chr19:18,870,302-18,870,309, TGGCATCT duplicated on the plus strand (AGATGCCA on the coding strand, the reverse complement: GDF1 is on the minus strand); duplicating any 8 consecutive bases within chr19:18,870,302-18,870,310 gives the same sequence; the c. name uses the placement nearest the transcript's 3' end. VCF-style (leftmost placement, unchanged base first): chr19-18870301-G-GTGGCATCT. GRCh37 (hg19) VCF-style: chr19-18981110-G-GTGGCATCT.
Other names: c.*268_*275dup (NM_001387440.1, NM_021267.5); c.-2_6dup, p.Pro3fs (NM_001387438.1); short protein forms P3fs.
Identifiers: ClinVar variation 4980316 (VCV004980316.1).

ClinVar aggregate classification (germline): Uncertain significance (1 of 4 stars; one submission).

Conditions:
GDF1-related disorder. Also called: GDF1-related condition.

Submission:

PreventionGenetics, part of Exact Sciences
Classification: Uncertain significance for GDF1-related condition. Last evaluated: 2025-07-28. Review status: criteria provided, single submitter. Criteria: ACMG Guidelines, 2015. Collection method: clinical testing. Allele origin: germline.
Comment: The GDF1 c.-2_6dup8 variant is located in the 5' untranslated region. which duplicates the region spanning the start codon and may create an alternative ATG initiation site. The functional consequence of this variant remains uncertain due to a lack of supporting evidence. To our knowledge, this variant has not been reported in the literature. It is observed in 0.017% of alleles (11 individuals) of European (non-Finnish) ancestry in gnomAD v2. In gnomAD v4 (GRCh38), the variant is observed in 198 individuals, which may be too frequent for an autosomal dominant primary cause of disease. At this time, the clinical significance of this variant is uncertain due to the absence of conclusive functional and genetic evidence.